The following is an entry in ClinVar:

NM_004706.4(ARHGEF1):c.1523T>G (p.Phe508Cys)

Gene: ARHGEF1 (Rho guanine nucleotide exchange factor 1; plus strand). Cytogenetic location: 19q13.2.
Variant type: single nucleotide variant.
Coding change: c.1523T>G on transcript NM_004706.4 (MANE Select); coding-DNA position 1523, T replaced by G.
Protein change: p.Phe508Cys; replaces phenylalanine 508 with cysteine.
Molecular consequence: missense variant. On other transcripts: non-coding transcript variant (2).
Genome position (GRCh38, 1-based): chr19:41,902,558, T>G. VCF-style: chr19-41902558-T-G. GRCh37 (hg19) VCF-style: chr19-42406708-T-G.
Other names: c.1691T>G, p.Phe564Cys (NM_001396000.1); c.1424T>G, p.Phe475Cys (NM_001396002.1, NM_001396004.1, NM_198977.2); c.1523T>G, p.Phe508Cys (NM_001396003.1, NM_001396006.1); c.1568T>G, p.Phe523Cys (NM_199002.2); short protein forms F475C, F564C, F523C, F508C.
Identifiers: ClinVar variation 2120197 (VCV002120197.4), dbSNP rs2513887772, ClinGen allele CA406061327.
Genomic context (GRCh38, chr19:41,902,558, plus strand): 5'-ACTGAGACACCTGCCTGGCCTGAATCTCGCTGTAGTTTGATGGTGCTGAGGGCTCCTGGT[T>G]CCAGAAAATCTCCTCCCGCTTCTGCAGCCGCCAGTCATTTGCCTTAGAGCAGCTCAAAGC-3'
Protein context (NP_004697.2, residues 498-518): ARFDGAEGSW[Phe508Cys]QKISSRFCSR

ClinVar aggregate classification (germline): Uncertain significance (1 of 4 stars; one submission).

Submission:

Labcorp Genetics (formerly Invitae), Labcorp
Classification: Uncertain significance. Last evaluated: 2022-04-01. Review status: criteria provided, single submitter. Criteria: Invitae Variant Classification Sherloc (09022015). Collection method: clinical testing. Allele origin: germline.
Comment: In summary, the available evidence is currently insufficient to determine the role of this variant in disease. Therefore, it has been classified as a Variant of Uncertain Significance. Algorithms developed to predict the effect of missense changes on protein structure and function are either unavailable or do not agree on the potential impact of this missense change (SIFT: "Deleterious"; PolyPhen-2: "Probably Damaging"; Align-GVGD: "Class C0"). This variant has not been reported in the literature in individuals affected with ARHGEF1-related conditions. This variant is not present in population databases (gnomAD no frequency). This sequence change replaces phenylalanine, which is neutral and non-polar, with cysteine, which is neutral and slightly polar, at codon 523 of the ARHGEF1 protein (p.Phe523Cys).